The following is an entry in ClinVar:

NM_006662.3(SRCAP):c.7352C>T (p.Pro2451Leu)

Gene: SRCAP (Snf2 related CREBBP activator protein; plus strand). Cytogenetic location: 16p11.2.
Variant type: single nucleotide variant.
Coding change: c.7352C>T on transcript NM_006662.3 (MANE Select); coding-DNA position 7352, C replaced by T.
Protein change: p.Pro2451Leu; replaces proline 2451 with leucine.
Molecular consequence: missense variant.
Genome position (GRCh38, 1-based): chr16:30,737,392, C>T. VCF-style: chr16-30737392-C-T. GRCh37 (hg19) VCF-style: chr16-30748713-C-T.
Other names: short protein forms P2451L.
Identifiers: ClinVar variation 1369848 (VCV001369848.7), dbSNP rs759342420, ClinGen allele CA8012466.

ClinVar aggregate classification (germline): Uncertain significance. Review status: criteria provided, multiple submitters, no conflicts (2 of 4 stars). 2 submissions from 2 submitters: Uncertain significance (2). Last evaluated 2022-02-28.

Conditions:
Developmental delay, hypotonia, musculoskeletal defects, and behavioral abnormalities. Identifiers: MedGen C5562012, MONDO:0859202, OMIM 619595.
Floating-Harbor syndrome (FLHS). Also called: Short stature with delayed bone age, expressive language delay, a triangular face with a prominent nose and deep-set eyes; Pelletier-Leisti syndrome; SRCAP-Related Floating-Harbor Syndrome. Identifiers: Orphanet 2044, MedGen C0729582, MONDO:0007621, OMIM 136140.

Allele frequency attached by ClinVar (database versions not stated): gnomAD exomes 0.00001 and 0.00002; ExAC 0.00001; gnomAD 0.00001.
gnomAD v4.1: 11 of 1,611,850 alleles (0.00068%); highest among the groups gnomAD compares: South Asian, 0.0055%; no homozygotes.

Submissions (2):

Fulgent Genetics
Classification: Uncertain significance for Floating-Harbor syndrome; Developmental delay, hypotonia, musculoskeletal defects, and behavioral abnormalities. Last evaluated: 2022-02-28. Review status: criteria provided, single submitter. Criteria: ACMG Guidelines, 2015. Collection method: clinical testing. Allele origin: unknown.

Labcorp Genetics (formerly Invitae), Labcorp
Classification: Uncertain significance. Last evaluated: 2022-02-27. Review status: criteria provided, single submitter. Criteria: Invitae Variant Classification Sherloc (09022015). Collection method: clinical testing. Allele origin: germline.
Comment: In summary, the available evidence is currently insufficient to determine the role of this variant in disease. Therefore, it has been classified as a Variant of Uncertain Significance. Algorithms developed to predict the effect of missense changes on protein structure and function are either unavailable or do not agree on the potential impact of this missense change (SIFT: "Deleterious"; PolyPhen-2: "Not Available"; Align-GVGD: "Class C0"). This variant has not been reported in the literature in individuals affected with SRCAP-related conditions. This variant is present in population databases (rs759342420, gnomAD 0.006%). This sequence change replaces proline, which is neutral and non-polar, with leucine, which is neutral and non-polar, at codon 2451 of the SRCAP protein (p.Pro2451Leu).